The following is an entry in ClinVar:

ClinVar aggregate classification (germline): Uncertain significance (1 of 4 stars; one submission).

Allele frequency attached by ClinVar (database versions not stated): ExAC 0.00001; gnomAD 0.00001; gnomAD exomes 0.00001; TOPMed 0.00001; ESP Exome Variant Server 0.00008.
gnomAD v4.1: 9 of 1,605,296 alleles (0.00056%); highest among the groups gnomAD compares: African/African-American, 0.0067%; no homozygotes.

Submission:

Labcorp Genetics (formerly Invitae), Labcorp
Classification: Uncertain significance. Last evaluated: 2025-05-22. Review status: criteria provided, single submitter. Criteria: Invitae Variant Classification Sherloc (09022015). Collection method: clinical testing. Allele origin: germline.
Comment: This sequence change falls in intron 2 of the CDH2 gene. It does not directly change the encoded amino acid sequence of the CDH2 protein. It affects a nucleotide within the consensus splice site. This variant is present in population databases (rs373161304, gnomAD 0.008%). This variant has not been reported in the literature in individuals affected with CDH2-related conditions. ClinVar contains an entry for this variant (Variation ID: 1915866). Variants that disrupt the consensus splice site are a relatively common cause of aberrant splicing (PMID: 17576681, 9536098). Algorithms developed to predict the effect of sequence changes on RNA splicing suggest that this variant is not likely to affect RNA splicing. In summary, the available evidence is currently insufficient to determine the role of this variant in disease. Therefore, it has been classified as a Variant of Uncertain Significance.

Literature cited by the submitters: PubMed 17576681; PubMed 9536098.

NM_001792.5(CDH2):c.173-3C>T

Gene: CDH2 (cadherin 2; minus strand). Cytogenetic location: 18q12.1.
Variant type: single nucleotide variant.
Coding change: c.173-3C>T on transcript NM_001792.5 (MANE Select); 3 bases into the intron before coding-DNA position 173, C replaced by T.
Molecular consequence: intron variant.
Genome position (GRCh38, 1-based): chr18:28,013,912, G>A on the plus strand (C>T on the coding strand, the complement: CDH2 is on the minus strand). VCF-style: chr18-28013912-G-A. GRCh37 (hg19) VCF-style: chr18-25593876-G-A.
Other names: c.80-3C>T (NM_001308176.2).
Identifiers: ClinVar variation 1915866 (VCV001915866.5), dbSNP rs373161304, ClinGen allele CA8923757.